The following is an entry in ClinVar:

NM_000308.4(CTSA):c.594C>A (p.Asn198Lys)

Gene: CTSA (cathepsin A; plus strand). Cytogenetic location: 20q13.12.
Variant type: single nucleotide variant.
Coding change: c.594C>A on transcript NM_000308.4 (MANE Select); coding-DNA position 594, C replaced by A.
Protein change: p.Asn198Lys; replaces asparagine 198 with lysine.
Molecular consequence: missense variant. On other transcripts: non-coding transcript variant (1).
Genome position (GRCh38, 1-based): chr20:45,892,874, C>A. VCF-style: chr20-45892874-C-A. GRCh37 (hg19) VCF-style: chr20-44521513-C-A.
Other names: c.594C>A, p.Asn198Lys (NM_001127695.3); c.543C>A, p.Asn181Lys (NM_001167594.3); short protein forms N198K, N181K.
Identifiers: ClinVar variation 1433826 (VCV001433826.5), dbSNP rs147908449, ClinGen allele CA315660586.

ClinVar aggregate classification (germline): Uncertain significance (1 of 4 stars; one submission).

Conditions:
Combined deficiency of sialidase AND beta galactosidase (GSL). Also called: PPCA DEFICIENCY; PROTECTIVE PROTEIN/CATHEPSIN A DEFICIENCY; GOLDBERG SYNDROME; Galactosialidosis; NEURAMINIDASE DEFICIENCY WITH BETA-GALACTOSIDASE DEFICIENCY; NEURAMINIDASE/BETA-GALACTOSIDASE EXPRESSION. Identifiers: Orphanet 351, MedGen C0268233, MONDO:0009737, OMIM 256540.

Allele frequency attached by ClinVar (database versions not stated): ESP Exome Variant Server 0.00008.

Submission:

Labcorp Genetics (formerly Invitae), Labcorp
Classification: Uncertain significance for Combined deficiency of sialidase AND beta galactosidase. Last evaluated: 2022-02-24. Review status: criteria provided, single submitter. Criteria: Invitae Variant Classification Sherloc (09022015). Collection method: clinical testing. Allele origin: germline.
Comment: This sequence change replaces asparagine with lysine at codon 216 of the CTSA protein (p.Asn216Lys). The asparagine residue is highly conserved and there is a moderate physicochemical difference between asparagine and lysine. This variant is present in population databases (rs147908449, gnomAD 0.0009%). This variant has not been reported in the literature in individuals affected with CTSA-related conditions. Algorithms developed to predict the effect of missense changes on protein structure and function are either unavailable or do not agree on the potential impact of this missense change (SIFT: "Not Available"; PolyPhen-2: "Benign"; Align-GVGD: "Not Available"). In summary, the available evidence is currently insufficient to determine the role of this variant in disease. Therefore, it has been classified as a Variant of Uncertain Significance.